The following is an entry in ClinVar:

ClinVar aggregate classification (germline): Uncertain significance. Review status: criteria provided, single submitter (1 of 4 stars). 2 submissions from 2 submitters: Uncertain significance (1). 1 of the submissions does not count toward it. Last evaluated 2026-05-30.

Conditions:
Inborn genetic diseases. Identifiers: MedGen C0950123, MeSH D030342.
Kostmann syndrome (SCN3). Also called: KOSTMANN DISEASE; Autosomal recessive severe congenital neutropenia type 3. Identifiers: Orphanet 99749, MedGen C5235141, MONDO:0012548, OMIM 610738.

gnomAD v4.1: 2 of 1,613,888 alleles (0.00012%); highest among the groups gnomAD compares: Admixed American, 0.0033%; no homozygotes.

Submissions (2):

Ambry Genetics
Classification: Uncertain significance for Inborn genetic diseases. Last evaluated: 2026-05-30. Review status: criteria provided, single submitter. Criteria: Ambry Variant Classification Scheme 2023. Collection method: clinical testing. Allele origin: germline.
Comment: The p.V230A variant (also known as c.689T>C), located in coding exon 6 of the HAX1 gene, results from a T to C substitution at nucleotide position 689. The valine at codon 230 is replaced by alanine, an amino acid with similar properties. This amino acid position is conserved. In addition, this alteration is predicted to be tolerated by in silico analysis. Based on the available evidence, the clinical significance of this variant remains unclear.

Natera, Inc.
Classification: Uncertain significance for Autosomal recessive severe congenital neutropenia type 3. Last evaluated: 2025-04-29. Review status: no assertion criteria provided. Collection method: clinical testing. Allele origin: germline. Not counted in ClinVar's aggregate classification.

NM_006118.4(HAX1):c.689T>C (p.Val230Ala)

Gene: HAX1 (HCLS1 associated protein X-1; plus strand). Cytogenetic location: 1q21.3.
Variant type: single nucleotide variant.
Coding change: c.689T>C on transcript NM_006118.4 (MANE Select); coding-DNA position 689, T replaced by C.
Protein change: p.Val230Ala; replaces valine 230 with alanine.
Molecular consequence: missense variant.
Genome position (GRCh38, 1-based): chr1:154,275,418, T>C. VCF-style: chr1-154275418-T-C. GRCh37 (hg19) VCF-style: chr1-154247894-T-C.
Other names: c.545T>C, p.Val182Ala (NM_001018837.2); short protein forms V182A, V230A.
Identifiers: ClinVar variation 4069021 (VCV004069021.2).